The following is an entry in ClinVar:

NM_022124.6(CDH23):c.5821-15T>C

Gene: CDH23 (cadherin related 23; plus strand). Cytogenetic location: 10q22.1.
Variant type: single nucleotide variant.
Coding change: c.5821-15T>C on transcript NM_022124.6 (MANE Select); 15 bases into the intron before coding-DNA position 5821, T replaced by C.
Molecular consequence: intron variant.
Genome position (GRCh38, 1-based): chr10:71,788,925, T>C. VCF-style: chr10-71788925-T-C. GRCh37 (hg19) VCF-style: chr10-73548682-T-C.
Other names: c.5821-15T>C (NM_022124.5).
Identifiers: ClinVar variation 1123306 (VCV001123306.11), dbSNP rs374125601, ClinGen allele CA5545908.

ClinVar aggregate classification (germline): Likely benign. Review status: criteria provided, multiple submitters, no conflicts (2 of 4 stars). 3 submissions from 3 submitters: Likely benign (3). Last evaluated 2025-12-16.

Conditions:
CDH23-related disorder. Also called: CDH23-related condition; CDH23-related disorders.

Allele frequency attached by ClinVar (database versions not stated): gnomAD exomes 0.00002 and 0.00006; ExAC 0.00007; 1000 Genomes Project 30x 0.00016; 1000 Genomes Project 0.00020; ESP Exome Variant Server 0.00033; gnomAD 0.00036 and 0.00039; TOPMed 0.00048.
gnomAD v4.1: 84 of 1,399,670 alleles (0.006%); highest among the groups gnomAD compares: African/African-American, 0.11%; no homozygotes.

Submissions (3):

Labcorp Genetics (formerly Invitae), Labcorp
Classification: Likely benign. Last evaluated: 2025-12-16. Review status: criteria provided, single submitter. Criteria: Invitae Variant Classification Sherloc (09022015). Collection method: clinical testing. Allele origin: germline.

PreventionGenetics, part of Exact Sciences
Classification: Likely benign for CDH23-related condition. Last evaluated: 2025-11-24. Review status: criteria provided, single submitter. Criteria: ACMG Guidelines, 2015. Collection method: clinical testing. Allele origin: germline.
Comment: This variant is classified as likely benign based on ACMG/AMP sequence variant interpretation guidelines (Richards et al. 2015 PMID: 25741868, with internal and published modifications).

Blueprint Genetics
Classification: Likely benign. Last evaluated: 2024-02-12. Review status: criteria provided, single submitter. Criteria: ACMG Guidelines, 2015. Collection method: clinical testing. Allele origin: germline.